The following is an entry in ClinVar:

NM_000718.4(CACNA1B):c.6160C>T (p.His2054Tyr)

Gene: CACNA1B (calcium voltage-gated channel subunit alpha1 B; plus strand). Cytogenetic location: 9q34.3.
Variant type: single nucleotide variant.
Coding change: c.6160C>T on transcript NM_000718.4 (MANE Select); coding-DNA position 6160, C replaced by T.
Protein change: p.His2054Tyr; replaces histidine 2054 with tyrosine.
Molecular consequence: missense variant.
Genome position (GRCh38, 1-based): chr9:138,120,294, C>T. VCF-style: chr9-138120294-C-T. GRCh37 (hg19) VCF-style: chr9-141014746-C-T.
Other names: c.6160C>T, p.His2054Tyr (NM_001243812.2); short protein forms H2054Y.
Identifiers: ClinVar variation 2071981 (VCV002071981.4), dbSNP rs769748260, ClinGen allele CA5377628.

ClinVar aggregate classification (germline): Uncertain significance (1 of 4 stars; one submission).

Allele frequency attached by ClinVar (database versions not stated): gnomAD 0.00001; gnomAD exomes 0.00002; TOPMed below 0.00001; ExAC 0.00003.
gnomAD v4.1: 14 of 1,562,724 alleles (0.0009%); highest among the groups gnomAD compares: Non-Finnish European, 0.0011%; no homozygotes.

Submission:

Labcorp Genetics (formerly Invitae), Labcorp
Classification: Uncertain significance. Last evaluated: 2023-10-18. Review status: criteria provided, single submitter. Criteria: Invitae Variant Classification Sherloc (09022015). Collection method: clinical testing. Allele origin: germline.
Comment: This sequence change replaces histidine, which is basic and polar, with tyrosine, which is neutral and polar, at codon 2054 of the CACNA1B protein (p.His2054Tyr). This variant is present in population databases (rs769748260, gnomAD 0.006%). This variant has not been reported in the literature in individuals affected with CACNA1B-related conditions. ClinVar contains an entry for this variant (Variation ID: 2071981). Advanced modeling of protein sequence and biophysical properties (such as structural, functional, and spatial information, amino acid conservation, physicochemical variation, residue mobility, and thermodynamic stability) performed at Invitae indicates that this missense variant is not expected to disrupt CACNA1B protein function. In summary, the available evidence is currently insufficient to determine the role of this variant in disease. Therefore, it has been classified as a Variant of Uncertain Significance.